The following is an entry in ClinVar:

NM_001330.5(CTF1):c.487T>C (p.Ser163Pro)

Genes: CTF1 (cardiotrophin 1; plus strand), LOC130058878 (ATAC-STARR-seq lymphoblastoid silent region 7400; plus strand). Cytogenetic location: 16p11.2.
Variant type: single nucleotide variant.
Coding change: c.487T>C on transcript NM_001330.5 (MANE Select); coding-DNA position 487, T replaced by C.
Protein change: p.Ser163Pro; replaces serine 163 with proline.
Molecular consequence: missense variant. On other transcripts: non-coding transcript variant (1).
Genome position (GRCh38, 1-based): chr16:30,902,420, T>C. VCF-style: chr16-30902420-T-C. GRCh37 (hg19) VCF-style: chr16-30913741-T-C.
Other names: c.484T>C, p.Ser162Pro (NM_001142544.3); short protein forms S162P, S163P.
Identifiers: ClinVar variation 3627261 (VCV003627261.2).

ClinVar aggregate classification (germline): Uncertain significance (1 of 4 stars; one submission).

gnomAD v4.1: 2 of 1,370,650 alleles (0.00015%); highest among the groups gnomAD compares: Admixed American, 0.0028%; no homozygotes.

Submission:

Labcorp Genetics (formerly Invitae), Labcorp
Classification: Uncertain significance. Last evaluated: 2025-02-13. Review status: criteria provided, single submitter. Criteria: Invitae Variant Classification Sherloc (09022015). Collection method: clinical testing. Allele origin: germline.
Comment: This sequence change replaces serine, which is neutral and polar, with proline, which is neutral and non-polar, at codon 163 of the CTF1 protein (p.Ser163Pro). This variant is not present in population databases (gnomAD no frequency). This variant has not been reported in the literature in individuals affected with CTF1-related conditions. An algorithm developed to predict the effect of missense changes on protein structure and function (PolyPhen-2) suggests that this variant is likely to be tolerated. In summary, the available evidence is currently insufficient to determine the role of this variant in disease. Therefore, it has been classified as a Variant of Uncertain Significance.